The following is an entry in ClinVar:

NM_022455.5(NSD1):c.4949A>G (p.Asn1650Ser)

Gene: NSD1 (nuclear receptor binding SET domain protein 1; plus strand). Cytogenetic location: 5q35.3.
Variant type: single nucleotide variant.
Coding change: c.4949A>G on transcript NM_022455.5 (MANE Select); coding-DNA position 4949, A replaced by G.
Protein change: p.Asn1650Ser; replaces asparagine 1650 with serine.
Molecular consequence: missense variant.
Genome position (GRCh38, 1-based): chr5:177,257,134, A>G. VCF-style: chr5-177257134-A-G. GRCh37 (hg19) VCF-style: chr5-176684135-A-G.
Other names: c.4076A>G, p.Asn1359Ser (NM_001365684.2, NM_001409308.1, NM_001409309.1 and 1 more transcripts); c.4949A>G, p.Asn1650Ser (NM_001409301.1, NM_001409302.1, NM_001409303.1); c.4529A>G, p.Asn1510Ser (NM_001409304.1); c.4196A>G, p.Asn1399Ser (NM_001409305.1); c.4187A>G, p.Asn1396Ser (NM_001409306.1, NM_001409307.1); short protein forms N1381S, N1650S, N1359S, N1396S, N1399S, N1510S.
Identifiers: ClinVar variation 1302749 (VCV001302749.36), dbSNP rs148839758, ClinGen allele CA3577730.

ClinVar aggregate classification (germline): Benign/Likely benign. Review status: criteria provided, multiple submitters, no conflicts (2 of 4 stars). 8 submissions from 8 submitters: Benign (3); Likely benign (4). 1 of the submissions does not count toward it. Last evaluated 2025-12-18.

Conditions:
NSD1-related disorder. Also called: NSD1-related condition.
Inborn genetic diseases. Identifiers: MedGen C0950123, MeSH D030342.

Allele frequency attached by ClinVar (database versions not stated): gnomAD exomes 0.00003 and 0.00008; ExAC 0.00010; ESP Exome Variant Server 0.00015; TOPMed 0.00033; gnomAD 0.00034; 1000 Genomes Project 0.00060; 1000 Genomes Project 30x 0.00078.
gnomAD v4.1: 89 of 1,613,712 alleles (0.0055%); highest among the groups gnomAD compares: African/African-American, 0.1%; no homozygotes.

Submissions (8):

Labcorp Genetics (formerly Invitae), Labcorp
Classification: Benign. Last evaluated: 2025-12-18. Review status: criteria provided, single submitter. Criteria: Invitae Variant Classification Sherloc (09022015). Collection method: clinical testing. Allele origin: germline.

Women's Health and Genetics/Laboratory Corporation of America, LabCorp
Classification: Likely benign. Last evaluated: 2025-04-16. Review status: criteria provided, single submitter. Criteria: LabCorp Variant Classification Summary - May 2015. Collection method: clinical testing. Allele origin: germline.
Comment: Variant summary: NSD1 c.4949A>G (p.Asn1650Ser) results in a conservative amino acid change in the encoded protein sequence. Four of five in-silico tools predict a benign effect of the variant on protein function. The variant allele was found at a frequency of 8.4e-05 in 251380 control chromosomes, predominantly at a frequency of 0.0012 within the African or African-American subpopulation in the gnomAD database. The observed variant frequency within African or African-American control individuals in the gnomAD database exceeds the estimated maximal expected allele frequency for a pathogenic variant in NSD1 causing Sotos Syndrome phenotype. To our knowledge, no occurrence of c.4949A>G in individuals affected with Sotos Syndrome and no experimental evidence demonstrating its impact on protein function have been reported. ClinVar contains an entry for this variant (Variation ID: 1302749). Based on the evidence outlined above, the variant was classified as likely benign.

Laboratory of Genetics, Children's Clinical University Hospital Latvia
Classification: Likely benign. Last evaluated: 2025-02-16. Review status: criteria provided, single submitter. Criteria: ACMG Guidelines, 2015. Collection method: clinical testing. Allele origin: germline. Affected: yes.

CeGaT Center for Human Genetics Tuebingen
Classification: Benign. Last evaluated: 2022-09-01. Review status: criteria provided, single submitter. Criteria: CeGaT Center For Human Genetics Tuebingen Variant Classification Criteria Version 2. Collection method: clinical testing. Allele origin: germline. Affected: yes. Observed: 1 variant allele.
Comment: NSD1: BS1, BS2

GeneDx
Classification: Benign. Last evaluated: 2021-10-29. Review status: criteria provided, single submitter. Criteria: GeneDx Variant Classification Process June 2021. Collection method: clinical testing. Allele origin: germline. Affected: yes.

Blueprint Genetics
Classification: Likely benign. Last evaluated: 2018-09-21. Review status: criteria provided, single submitter. Criteria: ACMG Guidelines, 2015. Collection method: clinical testing. Allele origin: germline.

Ambry Genetics
Classification: Likely benign for Inborn genetic diseases. Last evaluated: 2017-09-21. Review status: criteria provided, single submitter. Criteria: Ambry Variant Classification Scheme 2023. Collection method: clinical testing. Allele origin: germline.

PreventionGenetics, part of Exact Sciences
Classification: Likely benign for NSD1-related condition. Last evaluated: 2022-07-28. Review status: no assertion criteria provided. Collection method: clinical testing. Allele origin: germline. Not counted in ClinVar's aggregate classification.
Comment: This variant is classified as likely benign based on ACMG/AMP sequence variant interpretation guidelines (Richards et al. 2015 PMID: 25741868, with internal and published modifications).

Literature cited by the submitters: PubMed 26690673 (cited by Ambry Genetics).